The following is an entry in ClinVar:

ClinVar aggregate classification (germline): Pathogenic (1 of 4 stars; one submission).

Conditions:
Familial cancer of breast. Also called: Hereditary breast cancer; hereditary breast carcinoma; BREAST CANCER, FAMILIAL. Identifiers: Orphanet 227535, MedGen C0346153, MONDO:0016419, OMIM 114480. Disease mechanism: loss of function.

Submission:

Labcorp Genetics (formerly Invitae), Labcorp
Classification: Pathogenic for Familial cancer of breast. Last evaluated: 2024-09-02. Review status: criteria provided, single submitter. Criteria: Invitae Variant Classification Sherloc (09022015). Collection method: clinical testing. Allele origin: germline.
Comment: This sequence change creates a premature translational stop signal (p.Tyr212Serfs*4) in the CHEK2 gene. It is expected to result in an absent or disrupted protein product. Loss-of-function variants in CHEK2 are known to be pathogenic (PMID: 21876083, 24713400). This variant is not present in population databases (gnomAD no frequency). This variant has not been reported in the literature in individuals affected with CHEK2-related conditions. For these reasons, this variant has been classified as Pathogenic.

Literature cited by the submitters: PubMed 21876083; PubMed 24713400.

NM_007194.4(CHEK2):c.629_632dup (p.Tyr212fs)

Gene: CHEK2 (checkpoint kinase 2; minus strand). Cytogenetic location: 22q12.1.
Variant type: Microsatellite.
Coding change: c.629_632dup on transcript NM_007194.4 (MANE Select); coding-DNA positions 629 to 632, 4 bases duplicated (CAGT; older notation c.629_632dupCAGT).
Protein change: p.Tyr212fs; shifts the reading frame from tyrosine 212.
Molecular consequence: frameshift variant. On other transcripts: 5 prime UTR variant (2), intron variant (1).
Genome position (GRCh38, 1-based): chr22:28,719,446-28,719,449, ACTG duplicated on the plus strand (CAGT on the coding strand, the reverse complement: CHEK2 is on the minus strand); duplicating any 4 consecutive bases within chr22:28,719,446-28,719,454 gives the same sequence; the c. name uses the placement nearest the transcript's 3' end. VCF-style (leftmost placement, unchanged base first): chr22-28719445-A-AACTG. GRCh37 (hg19) VCF-style: chr22-29115433-A-AACTG.
Other names: c.758_761dup, p.Tyr255fs (NM_001005735.3, NM_001438294.1); c.-39CAGT[3] (NM_001257387.3, NM_001437942.1); c.722_725dup, p.Tyr243fs (NM_001438293.1, NM_001438295.1); c.629_632dup, p.Tyr212fs (NM_145862.3); c.482+5433CAGT[3] (NM_001349956.3); short protein forms Y212fs, Y255fs, Y243fs.
Identifiers: ClinVar variation 3664222 (VCV003664222.2).